The following is an entry in ClinVar:

ClinVar aggregate classification (germline): Uncertain significance (1 of 4 stars; one submission).

Conditions:
PAX2-Related Disorder. Also called: PAX2-related disorders. Identifiers: MedGen CN381309.

Submission:

PreventionGenetics, part of Exact Sciences
Classification: Uncertain significance for PAX2-related condition. Last evaluated: 2022-12-21. Review status: criteria provided, single submitter. Criteria: ACMG Guidelines, 2015. Collection method: clinical testing. Allele origin: germline.
Comment: The PAX2 c.203T>A variant is predicted to result in the amino acid substitution p.Ile68Asn. To our knowledge, this variant has not been reported in the literature or in a large population database, indicating this variant is rare. Although we suspect that this variant may be pathogenic, at this time, the clinical significance of this variant is uncertain due to the absence of conclusive functional and genetic evidence.

NM_000278.5(PAX2):c.203T>A (p.Ile68Asn)

Gene: PAX2 (paired box 2; plus strand). Cytogenetic location: 10q24.31.
Variant type: single nucleotide variant.
Coding change: c.203T>A on transcript NM_000278.5 (MANE Select); coding-DNA position 203, T replaced by A.
Protein change: p.Ile68Asn; replaces isoleucine 68 with asparagine.
Molecular consequence: missense variant.
Genome position (GRCh38, 1-based): chr10:100,749,905, T>A. VCF-style: chr10-100749905-T-A. GRCh37 (hg19) VCF-style: chr10-102509662-T-A.
Other names: c.296T>A, p.Ile99Asn (NM_001304569.2); c.203T>A, p.Ile68Asn (NM_003987.5, NM_003988.5, NM_003989.5 and 1 more transcripts); short protein forms I68N, I99N.
Identifiers: ClinVar variation 2628450 (VCV002628450.1), dbSNP rs2492893748, ClinGen allele CA378257749.